The following is an entry in ClinVar:

NM_001184.4(ATR):c.3845A>G (p.Gln1282Arg)

Gene: ATR (ATR checkpoint kinase; minus strand). Cytogenetic location: 3q23.
Variant type: single nucleotide variant.
Coding change: c.3845A>G on transcript NM_001184.4 (MANE Select); coding-DNA position 3845, A replaced by G.
Protein change: p.Gln1282Arg; replaces glutamine 1282 with arginine.
Molecular consequence: missense variant.
Genome position (GRCh38, 1-based): chr3:142,535,180, T>C on the plus strand (A>G on the coding strand, the complement: ATR is on the minus strand). VCF-style: chr3-142535180-T-C. GRCh37 (hg19) VCF-style: chr3-142254022-T-C.
Other names: c.3653A>G, p.Gln1218Arg (NM_001354579.2); short protein forms Q1218R, Q1282R.
Identifiers: ClinVar variation 1364573 (VCV001364573.8), dbSNP rs2108425226, ClinGen allele CA354806351.
Genomic context (GRCh38, chr3:142,535,180, plus strand): 5'-TGAATACGAACATCGACATTTTCATGTTGAATGGCCTTCATAGAGAGCTGAAGAGTTGTC[T>C]GAAGATCAGTGCTCTCAGAGGTCTCCTATATACAAAGCACAGAGAGACAGAACTTATTAA-3'
Protein context (NP_001175.2, residues 1272-1292): RKETSESTDL[Gln1282Arg]TTLQLSMKAI

ClinVar aggregate classification (germline): Uncertain significance (1 of 4 stars; one submission).

Submission:

Labcorp Genetics (formerly Invitae), Labcorp
Classification: Uncertain significance. Last evaluated: 2024-03-06. Review status: criteria provided, single submitter. Criteria: Invitae Variant Classification Sherloc (09022015). Collection method: clinical testing. Allele origin: germline.
Comment: This sequence change replaces glutamine, which is neutral and polar, with arginine, which is basic and polar, at codon 1282 of the ATR protein (p.Gln1282Arg). This variant is not present in population databases (gnomAD no frequency). This variant has not been reported in the literature in individuals affected with ATR-related conditions. ClinVar contains an entry for this variant (Variation ID: 1364573). An algorithm developed to predict the effect of missense changes on protein structure and function (PolyPhen-2) suggests that this variant is likely to be disruptive. In summary, the available evidence is currently insufficient to determine the role of this variant in disease. Therefore, it has been classified as a Variant of Uncertain Significance.